The following is an entry in ClinVar:

ClinVar aggregate classification (germline): Uncertain significance (1 of 4 stars; one submission).

Allele frequency attached by ClinVar (database versions not stated): gnomAD 0.00002 and 0.00003; gnomAD exomes 0.00002; TOPMed 0.00002; ExAC 0.00003; ESP Exome Variant Server 0.00009; 1000 Genomes Project 0.00026; 1000 Genomes Project 30x 0.00042.
gnomAD v4.1: 31 of 1,208,943 alleles (0.0026%); highest among the groups gnomAD compares: Non-Finnish European, 0.0032%; no homozygotes.

Submission:

Labcorp Genetics (formerly Invitae), Labcorp
Classification: Uncertain significance. Last evaluated: 2026-02-03. Review status: criteria provided, single submitter. Criteria: Invitae Variant Classification Sherloc (09022015). Collection method: clinical testing. Allele origin: germline.
Comment: This sequence change replaces proline, which is neutral and non-polar, with serine, which is neutral and polar, at codon 680 of the CLCN4 protein (p.Pro680Ser). This variant is present in population databases (rs142375213, gnomAD 0.008%). This variant has not been reported in the literature in individuals affected with CLCN4-related conditions. ClinVar contains an entry for this variant (Variation ID: 1019740). Invitae Evidence Modeling of protein sequence and biophysical properties (such as structural, functional, and spatial information, amino acid conservation, physicochemical variation, residue mobility, and thermodynamic stability) indicates that this missense variant is not expected to disrupt CLCN4 protein function with a negative predictive value of 95%. In summary, the available evidence is currently insufficient to determine the role of this variant in disease. Therefore, it has been classified as a Variant of Uncertain Significance.

NM_001830.4(CLCN4):c.2038C>T (p.Pro680Ser)

Gene: CLCN4 (Cl-/H+ antiporter 4; plus strand). Cytogenetic location: Xp22.2.
Variant type: single nucleotide variant.
Coding change: c.2038C>T on transcript NM_001830.4 (MANE Select); coding-DNA position 2038, C replaced by T.
Protein change: p.Pro680Ser; replaces proline 680 with serine.
Molecular consequence: missense variant.
Genome position (GRCh38, 1-based): chrX:10,220,723, C>T. VCF-style: chrX-10220723-C-T. GRCh37 (hg19) VCF-style: chrX-10188763-C-T.
Other names: c.1756C>T, p.Pro586Ser (NM_001256944.2); short protein forms P586S, P680S.
Identifiers: ClinVar variation 1019740 (VCV001019740.9), dbSNP rs142375213, ClinGen allele CA10347333.